The following is an entry in ClinVar:

NM_004187.5(KDM5C):c.3170del (p.Val1057fs)

Gene: KDM5C (lysine demethylase 5C; minus strand). Cytogenetic location: Xp11.22.
Variant type: Deletion.
Coding change: c.3170del on transcript NM_004187.5 (MANE Select); coding-DNA position 3170, one base deleted (T; older notation c.3170delT).
Protein change: p.Val1057fs; shifts the reading frame from valine 1057.
Molecular consequence: frameshift variant. On other transcripts: non-coding transcript variant (3).
Genome position (GRCh38, 1-based): chrX:53,195,361, A deleted on the plus strand (T on the coding strand, the reverse complement: KDM5C is on the minus strand). VCF-style (leftmost placement, unchanged base first): chrX-53195360-CA-C. GRCh37 (hg19) VCF-style: chrX-53224542-CA-C.
Other names: c.2969del, p.Val990fs (NM_001146702.2); c.3167del, p.Val1056fs (NM_001282622.3, NM_001353979.2, NM_001353982.2); c.3170del, p.Val1057fs (NM_001353978.3, NM_001353981.2, NM_001353984.2); short protein forms V1056fs, V1057fs, V990fs.
Identifiers: ClinVar variation 1452263 (VCV001452263.6), dbSNP rs2146828842, ClinGen allele CA2573158968.

ClinVar aggregate classification (germline): Pathogenic (1 of 4 stars; one submission).

Conditions:
Spastic paraplegia. Identifiers: MedGen C0037772, HP:0001258.

Submission:

Labcorp Genetics (formerly Invitae), Labcorp
Classification: Pathogenic for Spastic paraplegia. Last evaluated: 2022-06-28. Review status: criteria provided, single submitter. Criteria: Invitae Variant Classification Sherloc (09022015). Collection method: clinical testing. Allele origin: germline.
Comment: This sequence change creates a premature translational stop signal (p.Val1057Glyfs*12) in the KDM5C gene. It is expected to result in an absent or disrupted protein product. Loss-of-function variants in KDM5C are known to be pathogenic (PMID: 15586325, 18697827). This variant is not present in population databases (gnomAD no frequency). This variant has not been reported in the literature in individuals affected with KDM5C-related conditions. For these reasons, this variant has been classified as Pathogenic.

Literature cited by the submitters: PubMed 15586325; PubMed 18697827.